The following is an entry in ClinVar:

NM_001903.5(CTNNA1):c.2337C>T (p.Tyr779=)

Gene: CTNNA1 (catenin alpha 1; plus strand). Cytogenetic location: 5q31.2.
Variant type: single nucleotide variant.
Coding change: c.2337C>T on transcript NM_001903.5 (MANE Select); coding-DNA position 2337, C replaced by T.
Protein change: p.Tyr779=; no amino-acid change (tyrosine 779 retained).
Molecular consequence: synonymous variant. On other transcripts: intron variant (1).
Genome position (GRCh38, 1-based): chr5:138,932,616, C>T. VCF-style: chr5-138932616-C-T. GRCh37 (hg19) VCF-style: chr5-138268305-C-T.
Other names: c.2337C>T, p.Tyr779= (NM_001290307.3, NM_001323982.2, NM_001323983.1 and 2 more transcripts); c.2028C>T, p.Tyr676= (NM_001290309.3); c.1968C>T, p.Tyr656= (NM_001290310.3); c.1227C>T, p.Tyr409= (NM_001290312.1, NM_001323987.1, NM_001323988.1 and 16 more transcripts); c.2244C>T, p.Tyr748= (NM_001323986.2); c.888C>T, p.Tyr296= (NM_001324006.1, NM_001324007.1, NM_001324008.1 and 2 more transcripts); c.1134C>T, p.Tyr378= (NM_001324011.1); c.984C>T, p.Tyr328= (NM_001324012.1, NM_001324013.1); and 1 more.
Identifiers: ClinVar variation 1094677 (VCV001094677.12), dbSNP rs767711515, ClinGen allele CA3432172.

ClinVar aggregate classification (germline): Benign/Likely benign. Review status: criteria provided, multiple submitters, no conflicts (2 of 4 stars). 3 submissions from 3 submitters: Benign (1); Likely benign (2). Last evaluated 2025-09-08.

Conditions:
Hereditary diffuse gastric adenocarcinoma (HDGC). Also called: DIFFUSE GASTRIC AND LOBULAR BREAST CANCER SYNDROME. Identifiers: Orphanet 26106, MedGen C1708349, MONDO:0007648, OMIM 137215.
Hereditary cancer-predisposing syndrome. Also called: Tumor predisposition; Neoplastic Syndromes, Hereditary; Hereditary Cancer Syndrome; Hereditary neoplastic syndrome. Identifiers: Orphanet 140162, MedGen C0027672, MeSH D009386, MONDO:0015356.

Allele frequency attached by ClinVar (database versions not stated): gnomAD exomes 0.00001 and 0.00002; ExAC 0.00002.
gnomAD v4.1: 11 of 1,614,184 alleles (0.00068%); highest among the groups gnomAD compares: South Asian, 0.0088%; no homozygotes.

Submissions (3):

Labcorp Genetics (formerly Invitae), Labcorp
Classification: Likely benign. Last evaluated: 2025-09-08. Review status: criteria provided, single submitter. Criteria: Invitae Variant Classification Sherloc (09022015). Collection method: clinical testing. Allele origin: germline.

Myriad Genetics, Inc.
Classification: Benign for Hereditary diffuse gastric adenocarcinoma. Last evaluated: 2024-10-15. Review status: criteria provided, single submitter. Criteria: Myriad Autosomal Dominant, Autosomal Recessive and X-Linked Classification Criteria (2023). Collection method: clinical testing. Allele origin: unknown.
Comment: This variant is considered benign. This variant is a silent/synonymous amino acid change and it is not expected to impact splicing.

Ambry Genetics
Classification: Likely benign for Hereditary cancer-predisposing syndrome. Last evaluated: 2022-03-24. Review status: criteria provided, single submitter. Criteria: Ambry Variant Classification Scheme 2023. Collection method: clinical testing. Allele origin: germline.